The following is an entry in ClinVar:

ClinVar aggregate classification (germline): Pathogenic/Likely pathogenic. Review status: criteria provided, multiple submitters, no conflicts (2 of 4 stars). 6 submissions from 6 submitters: Pathogenic (4); Likely pathogenic (2). Last evaluated 2025-10-07.

Conditions:
Hereditary cancer-predisposing syndrome. Also called: Neoplastic Syndromes, Hereditary; Hereditary neoplastic syndrome; Tumor predisposition; Hereditary Cancer Syndrome. Identifiers: Orphanet 140162, MedGen C0027672, MeSH D009386, MONDO:0015356.
Familial cancer of breast. Also called: BREAST CANCER, FAMILIAL; Hereditary breast cancer; hereditary breast carcinoma. Identifiers: Orphanet 227535, MedGen C0346153, MONDO:0016419, OMIM 114480. Disease mechanism: loss of function.
Ataxia-telangiectasia syndrome (AT). Also called: Ataxia-telangiectasia, complementation group D; ATAXIA-TELANGIECTASIA, COMPLEMENTATION GROUP A; ATAXIA-TELANGIECTASIA, FRESNO VARIANT; Ataxia-telangiectasia; LOUIS-BAR SYNDROME; AT, COMPLEMENTATION GROUP C. Identifiers: Orphanet 100, MedGen C0004135, MONDO:0008840, OMIM 208900.

Allele frequency attached by ClinVar (database versions not stated): gnomAD exomes below 0.00001.
gnomAD v4.1: 1 of 1,612,360 alleles (0.000062%); highest among the groups gnomAD compares: Non-Finnish European, 0.000085%; no homozygotes.

Submissions (6):

Labcorp Genetics (formerly Invitae), Labcorp
Classification: Pathogenic for Ataxia-telangiectasia syndrome. Last evaluated: 2025-10-07. Review status: criteria provided, single submitter. Criteria: Invitae Variant Classification Sherloc (09022015). Collection method: clinical testing. Allele origin: germline.
Comment: This sequence change creates a premature translational stop signal (p.Ser131*) in the ATM gene. It is expected to result in an absent or disrupted protein product. Loss-of-function variants in ATM are known to be pathogenic (PMID: 23807571, 25614872). This variant is present in population databases (no rsID available, gnomAD 0.0009%). This variant has not been reported in the literature in individuals affected with ATM-related conditions. ClinVar contains an entry for this variant (Variation ID: 545994). Algorithms developed to predict the effect of sequence changes on RNA splicing suggest that this variant may disrupt the consensus splice site. For these reasons, this variant has been classified as Pathogenic.

Color Diagnostics, LLC DBA Color Health
Classification: Pathogenic for Hereditary cancer-predisposing syndrome. Last evaluated: 2025-09-22. Review status: criteria provided, single submitter. Criteria: ACMG Guidelines, 2015. Collection method: clinical testing. Allele origin: germline.
Comment: This variant changes 1 nucleotide in exon 5 of the ATM gene, creating a premature translation stop signal. This variant is expected to result in an absent or non-functional protein product. To our knowledge, this variant has not been reported in individuals affected with ATM-related disorders in the literature. This variant has been identified in 1/251272 chromosomes in the general population by the Genome Aggregation Database (gnomAD). Loss of ATM function is a known mechanism of disease. Based on the available evidence, this variant is classified as Pathogenic.

Ambry Genetics
Classification: Pathogenic for Hereditary cancer-predisposing syndrome. Last evaluated: 2025-07-14. Review status: criteria provided, single submitter. Criteria: Ambry Variant Classification Scheme 2023. Collection method: clinical testing. Allele origin: germline.
Comment: The p.S131* pathogenic mutation (also known as c.392C>G), located in coding exon 4 of the ATM gene, results from a C to G substitution at nucleotide position 392. This changes the amino acid from a serine to a stop codon within coding exon 4. This alteration is expected to result in loss of function by premature protein truncation or nonsense-mediated mRNA decay. As such, this alteration is interpreted as a disease-causing mutation.

Myriad Genetics, Inc.
Classification: Pathogenic for Familial cancer of breast. Last evaluated: 2024-01-09. Review status: criteria provided, single submitter. Criteria: Myriad Autosomal Dominant, Autosomal Recessive and X-Linked Classification Criteria (2023). Collection method: clinical testing. Allele origin: unknown.
Comment: This variant is considered pathogenic. This variant creates a termination codon and is predicted to result in premature protein truncation.

Baylor Genetics
Classification: Likely pathogenic for Familial cancer of breast. Last evaluated: 2023-07-18. Review status: criteria provided, single submitter. Criteria: ACMG Guidelines, 2015. Collection method: clinical testing. Allele origin: unknown.

GeneDx
Classification: Likely pathogenic. Last evaluated: 2017-04-07. Review status: criteria provided, single submitter. Criteria: GeneDx Variant Classification (06012015). Collection method: clinical testing. Allele origin: germline. Affected: yes.
Comment: This variant is denoted ATM c.392C>G at the cDNA level and p.Ser131Ter (S131X) at the protein level. The substitution creates a nonsense variant, which changes a Serine to a premature stop codon (TCA>TGA), and is predicted to cause loss of normal protein function through either protein truncation or nonsense-mediated mRNA decay. Although this variant has not, to our knowledge, been reported in the literature, it is considered likely pathogenic.

Literature cited by the submitters: PubMed 23807571 (cited by Labcorp Genetics (formerly Invitae), Labcorp); PubMed 25614872 (cited by Labcorp Genetics (formerly Invitae), Labcorp).

NM_000051.4(ATM):c.392C>G (p.Ser131Ter)

Gene: ATM (ATM serine/threonine kinase; plus strand). Cytogenetic location: 11q22.3.
Variant type: single nucleotide variant.
Coding change: c.392C>G on transcript NM_000051.4 (MANE Select); coding-DNA position 392, C replaced by G.
Protein change: p.Ser131Ter; replaces serine 131 with a stop codon.
Molecular consequence: nonsense.
Genome position (GRCh38, 1-based): chr11:108,235,730, C>G. VCF-style: chr11-108235730-C-G. GRCh37 (hg19) VCF-style: chr11-108106457-C-G.
Other names: c.392C>G, p.Ser131Ter (NM_001351834.2); short protein forms S131*.
Identifiers: ClinVar variation 545994 (VCV000545994.20), dbSNP rs1363726955, ClinGen allele CA382524900.